The following is an entry in ClinVar:

ClinVar aggregate classification (germline): Uncertain significance (1 of 4 stars; one submission).

Conditions:
Hereditary cancer-predisposing syndrome. Also called: Neoplastic Syndromes, Hereditary; Tumor predisposition; Hereditary Cancer Syndrome; Hereditary neoplastic syndrome. Identifiers: Orphanet 140162, MedGen C0027672, MeSH D009386, MONDO:0015356.

Submission:

Color Diagnostics, LLC DBA Color Health
Classification: Uncertain significance for Hereditary cancer-predisposing syndrome. Last evaluated: 2024-08-07. Review status: criteria provided, single submitter. Criteria: ACMG Guidelines, 2015. Collection method: clinical testing. Allele origin: germline.
Comment: This missense variant replaces cysteine with tryptophan at codon 2689 of the BRCA2 protein. Computational prediction suggests that this variant may have deleterious impact on protein structure and function. To our knowledge, functional studies have not been reported for this variant. This variant has not been reported in individuals affected with BRCA2-related disorders in the literature. This variant has not been identified in the general population by the Genome Aggregation Database (gnomAD). The available evidence is insufficient to determine the role of this variant in disease conclusively. Therefore, this variant is classified as a Variant of Uncertain Significance.

NM_000059.4(BRCA2):c.8067T>G (p.Cys2689Trp)

Gene: BRCA2 (BRCA2 DNA repair associated; plus strand). Cytogenetic location: 13q13.1.
Variant type: single nucleotide variant.
Coding change: c.8067T>G on transcript NM_000059.4 (MANE Select); coding-DNA position 8067, T replaced by G.
Protein change: p.Cys2689Trp; replaces cysteine 2689 with tryptophan.
Molecular consequence: missense variant. On other transcripts: non-coding transcript variant (1).
Genome position (GRCh38, 1-based): chr13:32,363,269, T>G. VCF-style: chr13-32363269-T-G. GRCh37 (hg19) VCF-style: chr13-32937406-T-G.
Other names: c.7971T>G, p.Cys2657Trp (NM_001406719.1); c.8067T>G, p.Cys2689Trp (NM_001406720.1, NM_001432077.1); c.3135T>G, p.Cys1045Trp (NM_001406721.1); c.1650T>G, p.Cys550Trp (NM_001406722.1); short protein forms C1045W, C2657W, C2689W, C550W.
Identifiers: ClinVar variation 3894026 (VCV003894026.1).